The following is an entry in ClinVar:

NM_004463.3(FGD1):c.505C>A (p.Gln169Lys)

Gene: FGD1 (FYVE, RhoGEF and PH domain containing 1; minus strand). Cytogenetic location: Xp11.22.
Variant type: single nucleotide variant.
Coding change: c.505C>A on transcript NM_004463.3 (MANE Select); coding-DNA position 505, C replaced by A.
Protein change: p.Gln169Lys; replaces glutamine 169 with lysine.
Molecular consequence: missense variant.
Genome position (GRCh38, 1-based): chrX:54,470,737, G>T on the plus strand (C>A on the coding strand, the complement: FGD1 is on the minus strand). VCF-style: chrX-54470737-G-T. GRCh37 (hg19) VCF-style: chrX-54497170-G-T.
Other names: short protein forms Q169K.
Identifiers: ClinVar variation 4072571 (VCV004072571.1).
Genomic context (GRCh38, chrX:54,470,737, plus strand): 5'-GCAGTGGGCGTGATGGTGGAGGGGGGATGGGCTCCAGTGGGGGGGGCATCCGGGGCATCT[G>T]CAGGTAGCTGGGCTTTGGGGGCACTGGAGAGACGAATGGGGAAGAGAGAAGGGAGACATC-3'
Protein context (NP_004454.2, residues 159-179): PQVPPKPSYL[Gln169Lys]MPRMPPPLEP

ClinVar aggregate classification (germline): Uncertain significance (1 of 4 stars; one submission).

Submission:

GeneDx
Classification: Uncertain significance. Last evaluated: 2025-01-31. Review status: criteria provided, single submitter. Criteria: GeneDx Variant Classification Process June 2021. Collection method: clinical testing. Allele origin: germline. Affected: yes.
Comment: Not observed at significant frequency in large population cohorts (gnomAD); In silico analysis indicates that this missense variant does not alter protein structure/function; Has not been previously published as pathogenic or benign to our knowledge